The following is an entry in ClinVar:

NM_001370466.1(NOD2):c.721C>G (p.Pro241Ala)

Gene: NOD2 (nucleotide binding oligomerization domain containing 2; plus strand). Cytogenetic location: 16q12.1.
Variant type: single nucleotide variant.
Coding change: c.721C>G on transcript NM_001370466.1 (MANE Select); coding-DNA position 721, C replaced by G.
Protein change: p.Pro241Ala; replaces proline 241 with alanine.
Molecular consequence: missense variant. On other transcripts: non-coding transcript variant (1).
Genome position (GRCh38, 1-based): chr16:50,710,713, C>G. VCF-style: chr16-50710713-C-G. GRCh37 (hg19) VCF-style: chr16-50744624-C-G.
Other names: c.721C>G, p.Pro241Ala (NM_001293557.2); c.802C>G, p.Pro268Ala (NM_022162.3); short protein forms P241A, P268A.
Identifiers: ClinVar variation 2937447 (VCV002937447.3), dbSNP rs2066842, ClinGen allele CA395867598.
Genomic context (GRCh38, chr16:50,710,713, plus strand): 5'-CTGGAGGACATATACACAGAGAATGTCCTGGAGGTCTGGGCAGATGTGGGCATGGCTGGA[C>G]CCCCGCAGAAGAGCCCAGCCACCCTGGGCCTGGAGGAGCTCTTCAGCACCCCTGGCCACC-3'
Protein context (NP_001357395.1, residues 231-251): EVWADVGMAG[Pro241Ala]PQKSPATLGL

ClinVar aggregate classification (germline): Uncertain significance (1 of 4 stars; one submission).

Conditions:
Blau syndrome (BLAUS). Also called: ARTHROCUTANEOUVEAL GRANULOMATOSIS; GRANULOMATOSIS, FAMILIAL JUVENILE SYSTEMIC; GRANULOMATOSIS, FAMILIAL, BLAU TYPE; GRANULOMATOUS INFLAMMATORY ARTHRITIS, DERMATITIS, AND UVEITIS, FAMILIAL; JABS SYNDROME. Identifiers: Orphanet 90340, MedGen C5201146, MONDO:0008523, OMIM 186580.
Regional enteritis. Also called: Enteritis, Granulomatous. Identifiers: MedGen C0678202, MeSH D003424.

Submission:

Labcorp Genetics (formerly Invitae), Labcorp
Classification: Uncertain significance for Regional enteritis; Blau syndrome. Last evaluated: 2023-04-15. Review status: criteria provided, single submitter. Criteria: Invitae Variant Classification Sherloc (09022015). Collection method: clinical testing. Allele origin: germline.
Comment: In summary, the available evidence is currently insufficient to determine the role of this variant in disease. Therefore, it has been classified as a Variant of Uncertain Significance. Advanced modeling of protein sequence and biophysical properties (such as structural, functional, and spatial information, amino acid conservation, physicochemical variation, residue mobility, and thermodynamic stability) performed at Invitae indicates that this missense variant is not expected to disrupt NOD2 protein function. This variant has not been reported in the literature in individuals affected with NOD2-related conditions. This variant is not present in population databases (gnomAD no frequency). This sequence change replaces proline, which is neutral and non-polar, with alanine, which is neutral and non-polar, at codon 268 of the NOD2 protein (p.Pro268Ala).